The following is an entry in ClinVar:

NM_000142.5(FGFR3):c.2104G>C (p.Glu702Gln)

Gene: FGFR3 (fibroblast growth factor receptor 3; plus strand). Cytogenetic location: 4p16.3.
Variant type: single nucleotide variant.
Coding change: c.2104G>C on transcript NM_000142.5 (MANE Select); coding-DNA position 2104, G replaced by C.
Protein change: p.Glu702Gln; replaces glutamic acid 702 with glutamine.
Molecular consequence: missense variant. On other transcripts: non-coding transcript variant (1).
Genome position (GRCh38, 1-based): chr4:1,806,619, G>C. VCF-style: chr4-1806619-G-C. GRCh37 (hg19) VCF-style: chr4-1808346-G-C.
Other names: c.2110G>C, p.Glu704Gln (NM_001163213.2); c.2107G>C, p.Glu703Gln (NM_001354809.2); c.2036G>C, p.Gly679Ala (NM_001354810.2); c.1768G>C, p.Glu590Gln (NM_022965.4); short protein forms E590Q, E702Q, E703Q, E704Q, G679A.
Identifiers: ClinVar variation 4886599 (VCV004886599.2).

ClinVar aggregate classification (germline): Uncertain significance (1 of 4 stars; one submission).

gnomAD v4.1: 7 of 1,613,172 alleles (0.00043%); highest among the groups gnomAD compares: Non-Finnish European, 0.00059%; no homozygotes.

Submission:

Dasa
Classification: Uncertain significance. Last evaluated: 2025-02-04. Review status: criteria provided, single submitter. Criteria: DASA Assertion Criteria. Collection method: clinical testing. Allele origin: germline.
Comment: NM_000142.5(FGFR3):c.2104G>C (p.Glu702Gln) is a missense variant that results in the substitution of glutamic acid with glutamine. This variant is rare in population databases. The currently available literature and clinical evidence are not sufficient to establish a definitive association between this variant and the reported condition. Therefore, this variant is classified as a variant of uncertain significance.